The following is an entry in ClinVar:

NM_206933.4(USH2A):c.9699del (p.His3234fs)

Gene: USH2A (usherin; minus strand). Cytogenetic location: 1q41.
Variant type: Deletion.
Coding change: c.9699del on transcript NM_206933.4 (MANE Select); coding-DNA position 9699, one base deleted (T; older notation c.9699delT).
Protein change: p.His3234fs; shifts the reading frame from histidine 3234.
Molecular consequence: frameshift variant.
Genome position (GRCh38, 1-based): chr1:215,813,776, A deleted on the plus strand (T on the coding strand, the reverse complement: USH2A is on the minus strand). VCF-style (leftmost placement, unchanged base first): chr1-215813775-GA-G. GRCh37 (hg19) VCF-style: chr1-215987117-GA-G.
Other names: c.9699delT (NM_206933.4); short protein forms H3234fs.
Identifiers: ClinVar variation 2445634 (VCV002445634.3), dbSNP rs2464509136, ClinGen allele CA2580062050.

ClinVar aggregate classification (germline): Pathogenic/Likely pathogenic. Review status: criteria provided, multiple submitters, no conflicts (2 of 4 stars). 2 submissions from 2 submitters: Pathogenic (1); Likely pathogenic (1). Last evaluated 2023-02-28.

Conditions:
Usher syndrome type 2A. Also called: RETINAL DISEASE IN USHER SYNDROME TYPE IIA, MODIFIER OF; USHER SYNDROME, TYPE IIA. Identifiers: Orphanet 231178, Orphanet 886, MedGen C1848634, MONDO:0010169, OMIM 276901.
Retinitis pigmentosa 39 (RP39). Identifiers: Orphanet 791, MedGen C3151138, MONDO:0013436, OMIM 613809.

Submissions (2):

King Laboratory, University of Washington
Classification: Pathogenic for Usher syndrome type 2A. Last evaluated: 2023-02-28. Review status: criteria provided, single submitter. Criteria: Li et al. (Genet Med. 2022). Collection method: research. Allele origin: unknown. Affected: yes.
Comment: This variant occurred in compound heterozygosity with a known, likely pathogenic USH2A missense variant in two siblings with bilateral sensorineural hearing loss of onset <18 years, in a study of pediatric hearing loss conducted by the King Laboratory (Carlson RJ et al. JAMA-OtoHNS 2023). These patients’ family has no other history of hearing loss. This variant is a single base pair deletion that leads to a frameshift causing the inclusion of 66 incorrect amino acids and premature stop at position 3300 of 5203 in the USH2A protein. As of January 2023, this variant has not been reported to ClinVar and is not found on gnomAD. In summary, we conclude that this variant is likely pathogenic. Based on the prediction that this variant leads to a truncated protein and goodness of fit of genotype to phenotype, we conclude that this variant is pathogenic.

Juno Genomics, Hangzhou Juno Genomics, Inc
Classification: Likely pathogenic for Usher syndrome type 2A; Retinitis pigmentosa 39. Review status: criteria provided, single submitter. Criteria: ACMG Guidelines, 2015. Collection method: clinical testing. Allele origin: germline.
Comment: Null variant in a gene where loss of function (LOF) is a known mechanism of disease.;Absent from controls (or at extremely low frequency if recessive) in Genome Aggregation Database.

Literature cited by the submitters: PubMed 36633841 (cited by King Laboratory, University of Washington).